The following is an entry in ClinVar:

ClinVar aggregate classification (germline): Uncertain significance (1 of 4 stars; one submission).

Conditions:
Tuberous sclerosis 2 (TSC2). Identifiers: Orphanet 805, MedGen C1860707, MONDO:0013199, OMIM 613254.

Submission:

Labcorp Genetics (formerly Invitae), Labcorp
Classification: Uncertain significance for Tuberous sclerosis 2. Last evaluated: 2024-10-30. Review status: criteria provided, single submitter. Criteria: Invitae Variant Classification Sherloc (09022015). Collection method: clinical testing. Allele origin: germline.
Comment: This sequence change replaces valine, which is neutral and non-polar, with methionine, which is neutral and non-polar, at codon 355 of the TSC2 protein (p.Val355Met). This variant is not present in population databases (gnomAD no frequency). This variant has not been reported in the literature in individuals affected with TSC2-related conditions. Invitae Evidence Modeling of protein sequence and biophysical properties (such as structural, functional, and spatial information, amino acid conservation, physicochemical variation, residue mobility, and thermodynamic stability) indicates that this missense variant is not expected to disrupt TSC2 protein function with a negative predictive value of 95%. In summary, the available evidence is currently insufficient to determine the role of this variant in disease. Therefore, it has been classified as a Variant of Uncertain Significance.

NM_000548.5(TSC2):c.1063G>A (p.Val355Met)

Gene: TSC2 (TSC complex subunit 2; plus strand). Cytogenetic location: 16p13.3.
Variant type: single nucleotide variant.
Coding change: c.1063G>A on transcript NM_000548.5 (MANE Select); coding-DNA position 1063, G replaced by A.
Protein change: p.Val355Met; replaces valine 355 with methionine.
Molecular consequence: missense variant. On other transcripts: 5 prime UTR variant (10), non-coding transcript variant (5).
Genome position (GRCh38, 1-based): chr16:2,060,757, G>A. VCF-style: chr16-2060757-G-A. GRCh37 (hg19) VCF-style: chr16-2110758-G-A.
Other names: c.916G>A, p.Val306Met (NM_001406679.1, NM_001318829.2, NM_001406675.1 and 1 more transcripts); c.463G>A, p.Val155Met (NM_001406680.1, NM_001406682.1, NM_001406683.1 and 6 more transcripts); c.601G>A, p.Val201Met (NM_001406681.1); c.1063G>A, p.Val355Met (NM_001077183.3, NM_001114382.3, NM_001363528.2 and 6 more transcripts); c.952G>A, p.Val318Met (NM_001318827.2, NM_001406670.1, NM_001406678.1); c.1096G>A, p.Val366Met (NM_001318832.2); c.1153G>A, p.Val385Met (NM_001406667.1, NM_001406668.1); c.1051G>A, p.Val351Met (NM_001406671.1, NM_001406673.1); and 4 more; short protein forms V201M, V336M, V355M, V366M, V306M, V351M, V155M, V318M.
Identifiers: ClinVar variation 3706147 (VCV003706147.2).